The following is an entry in ClinVar:

ClinVar aggregate classification (germline): Uncertain significance. Review status: criteria provided, multiple submitters, no conflicts (2 of 4 stars). 2 submissions from 2 submitters: Uncertain significance (2). Last evaluated 2025-09-30.

Allele frequency attached by ClinVar (database versions not stated): ESP Exome Variant Server 0.00031.
gnomAD v4.1: 313 of 1,613,880 alleles (0.019%); highest among the groups gnomAD compares: Non-Finnish European, 0.024%; 1 homozygote.

Submissions (2):

Mayo Clinic Laboratories, Mayo Clinic
Classification: Uncertain significance. Last evaluated: 2025-09-30. Review status: criteria provided, single submitter. Criteria: ACMG Guidelines, 2015. Collection method: clinical testing. Allele origin: germline. Observed: 2 variant alleles.
Comment: PM2_supporting

Women's Health and Genetics/Laboratory Corporation of America, LabCorp
Classification: Uncertain significance. Last evaluated: 2025-07-28. Review status: criteria provided, single submitter. Criteria: LabCorp Variant Classification Summary - May 2015. Collection method: clinical testing. Allele origin: germline.
Comment: Variant summary: CRLF1 c.667G>A (p.Asp223Asn) results in a conservative amino acid change in the encoded protein sequence. Algorithms developed to predict the effect of missense changes on protein structure and function are either unavailable or do not agree on the potential impact of this missense change. The variant allele was found at a frequency of 9.6e-05 in 250982 control chromosomes. This frequency is not significantly higher than estimated for a pathogenic variant in CRLF1 causing Cold-induced sweating syndrome 1 (9.6e-05 vs 0.0011), allowing no conclusion about variant significance. To our knowledge, no occurrence of c.667G>A in individuals affected with Cold-induced sweating syndrome 1 and no experimental evidence demonstrating its impact on protein function have been reported. ClinVar contains an entry for this variant (Variation ID: 2683486). Based on the evidence outlined above, the variant was classified as uncertain significance.

NM_004750.5(CRLF1):c.667G>A (p.Asp223Asn)

Gene: CRLF1 (cytokine receptor like factor 1; minus strand). Cytogenetic location: 19p13.11.
Variant type: single nucleotide variant.
Coding change: c.667G>A on transcript NM_004750.5 (MANE Select); coding-DNA position 667, G replaced by A.
Protein change: p.Asp223Asn; replaces aspartic acid 223 with asparagine.
Molecular consequence: missense variant.
Genome position (GRCh38, 1-based): chr19:18,598,462, C>T on the plus strand (G>A on the coding strand, the complement: CRLF1 is on the minus strand). VCF-style: chr19-18598462-C-T. GRCh37 (hg19) VCF-style: chr19-18709272-C-T.
Other names: p.Asp223Asn; short protein forms D223N.
Identifiers: ClinVar variation 2683486 (VCV002683486.3), dbSNP rs145884498, ClinGen allele CA9314162.
Genomic context (GRCh38, chr19:18,598,462, plus strand): 5'-GGAGGGGCCTAGCAGACACTGGGGGCTCACCCACATCCAGGATATCCAGCGTGAGTACAT[C>T]GGAGCGGGCAGAGCCCAGGCGGTTGGTGGCCTCCACCCAGATCTCATAGGGCGTAAAGAG-3'
Protein context (NP_004741.1, residues 213-233): ATNRLGSARS[Asp223Asn]VLTLDILDVV